The following is an entry in ClinVar:

NM_000218.3(KCNQ1):c.387-5T>A

Gene: KCNQ1 (potassium voltage-gated channel subfamily Q member 1; plus strand). Cytogenetic location: 11p15.5.
Variant type: single nucleotide variant.
Coding change: c.387-5T>A on transcript NM_000218.3 (MANE Select); 5 bases into the intron before coding-DNA position 387, T replaced by A.
Molecular consequence: intron variant.
Genome position (GRCh38, 1-based): chr11:2,527,923, T>A. VCF-style: chr11-2527923-T-A. GRCh37 (hg19) VCF-style: chr11-2549153-T-A.
Other names: c.117-5T>A (NM_001406837.1); c.387-5T>A (NM_001406836.1, NM_001406838.1); c.6-5T>A (NM_181798.2).
Identifiers: ClinVar variation 200872 (VCV000200872.17), dbSNP rs794728549, ClinGen allele CA006957.

ClinVar aggregate classification (germline): Pathogenic/Likely pathogenic. Review status: criteria provided, multiple submitters, no conflicts (2 of 4 stars). 7 submissions from 7 submitters: Pathogenic (3); Likely pathogenic (4). Last evaluated 2025-09-10.

Conditions:
Cardiac arrhythmia. Also called: Arrhythmia; Cardiac rhythm disease. Identifiers: MedGen C0003811, MONDO:0007263, HP:0011675.
Familial long QT syndrome (RWS). Also called: VENTRICULAR FIBRILLATION WITH PROLONGED QT INTERVAL; Romano-Ward syndrome; Congenital long QT syndrome. Identifiers: Orphanet 768, MedGen C1141890, MONDO:0019171.
Long QT syndrome (LQTS). Identifiers: MedGen C0023976, MeSH D008133, MONDO:0002442. Disease mechanism: loss of function. Inheritance: Various modes of inheritance.
Long QT syndrome 1 (LQT1). Identifiers: Orphanet 101016, Orphanet 768, MedGen C4551647, MONDO:0100316, OMIM 192500, MONDO:0008646.
KCNQ1-related disorder. Also called: KCNQ1-related condition; KCNQ1-related disorders. Identifiers: MedGen CN239322.

Allele frequency attached by ClinVar (database versions not stated): gnomAD exomes below 0.00001.
gnomAD v4.1: 3 of 1,613,864 alleles (0.00019%); highest among the groups gnomAD compares: Middle Eastern, 0.033%; no homozygotes.

Submissions (7):

Genomic Medicine Center of Excellence, King Faisal Specialist Hospital and Research Centre
Classification: Pathogenic for Long QT syndrome 1. Last evaluated: 2025-09-10. Review status: criteria provided, single submitter. Criteria: ACMG Guidelines, 2015. Collection method: clinical testing. Allele origin: germline.

Color Diagnostics, LLC DBA Color Health
Classification: Likely pathogenic for Cardiac arrhythmia. Last evaluated: 2024-03-08. Review status: criteria provided, single submitter. Criteria: ACMG Guidelines, 2015. Collection method: clinical testing. Allele origin: germline.
Comment: This variant causes a T to A nucleotide substitution at the -5 position of intron 1 of the KCNQ1 gene. Splice prediction tools indicate that this variant may disrupt RNA splicing. An RNA analysis using cells from homozygous carriers has shown the main consequence of this variant to be an out-of-frame skipping of exon 2, and the minor consequence to be an in-frame inclusion of 3 nucleotides from intron 1 sequence (PMID: 19027783). This variant has been observed in 7 heterozygous individuals affected with long QT syndrome (PMID: 28438721, 28944242, 36138163), including a family of affected mother and two affected children (PMID: 36138163). This variant has been reported in at least 10 consanguineous Saudi Arabian families affected with long QT syndrome and sudden death (PMID: 19027783, 28438721, 28944242, 36138163). This variant was found in homozygous state in 12 individuals from these families, who presented with severe long QT phenotypes without hearing loss. In these families, this variant was also observed in heterozygous state in over 20 individuals who lacked overt clinical symptoms, however, about half of these heterozygous individuals showed abnormal ECG results, including prolonged QTc intervals and bradycardia. This variant has not been identified in the general population by the Genome Aggregation Database (gnomAD). Based on the available evidence, this variant is classified as Likely Pathogenic.

All of Us Research Program, National Institutes of Health
Classification: Likely pathogenic for Long QT syndrome. Last evaluated: 2023-12-10. Review status: criteria provided, single submitter. Criteria: ACMG Guidelines, 2015. Collection method: clinical testing. Allele origin: germline. Inheritance: Autosomal dominant inheritance. Observed: 1 variant allele, 1 heterozygote.
Comment: The c.387-5T>A variant of KCNQ1 has been reported in individuals with Long-QT syndrome (PMID: 28944242, PMID: 1918417). This variant is predicted to disrupt mRNA splicing (SpliceAI: 0.77). RNA studies have shown that this variant causes the skipping of exon 2 and introduces a premature termination codon, resulting in incomplete transcriptional aberration of the KCNQ1 gene (PMID: 19027783). This variant is not present in population databases (gnomAD no frequency). Based on this evidence, the c.387-5T>A variant of KCNQ1 is classified as likely pathogenic.

This study involves interpretation of variants in research participants for the purpose of population health screening. Participant phenotype was not available at the time of variant classification. Additional details can be found in publication PMID: 35346344, PMCID: PMC8962531

Blueprint Genetics
Classification: Pathogenic for KCNQ1-related disorders. Last evaluated: 2023-03-13. Review status: criteria provided, single submitter. Criteria: ACMG Guidelines, 2015. Collection method: clinical testing. Allele origin: germline. Affected: yes. Observed: 5 variant alleles.

Labcorp Genetics (formerly Invitae), Labcorp
Classification: Likely pathogenic for Long QT syndrome. Last evaluated: 2022-06-15. Review status: criteria provided, single submitter. Criteria: Invitae Variant Classification Sherloc (09022015). Collection method: clinical testing. Allele origin: germline.
Comment: In summary, the currently available evidence indicates that the variant is pathogenic, but additional data are needed to prove that conclusively. Therefore, this variant has been classified as Likely Pathogenic. Studies have shown that this variant results in skipping of exon 2 and introduces a premature termination codon (PMID: 19027783). The resulting mRNA is expected to undergo nonsense-mediated decay. ClinVar contains an entry for this variant (Variation ID: 200872). This variant has been observed in individuals with long QT syndrome (PMID: 28944242). This variant is not present in population databases (gnomAD no frequency). This sequence change falls in intron 1 of the KCNQ1 gene. It does not directly change the encoded amino acid sequence of the KCNQ1 protein. RNA analysis indicates that this variant induces altered splicing and may result in an absent or disrupted protein product.

Women's Health and Genetics/Laboratory Corporation of America, LabCorp
Classification: Likely pathogenic for Long QT syndrome. Last evaluated: 2022-02-28. Review status: criteria provided, single submitter. Criteria: LabCorp Variant Classification Summary - May 2015. Collection method: clinical testing. Allele origin: germline.
Comment: Variant summary: KCNQ1 c.387-5T>A alters a non-conserved nucleotide located close to a canonical splice site and therefore could affect mRNA splicing, leading to a significantly altered protein sequence. Several computational tools predict a significant impact on normal splicing: Two predict the variant abolishes the canonical 3' splice acceptor site. Two predict the variant weakens the canonical 3' splice acceptor site. Three predict the variant creates a new intronic 3' splice acceptor site at nucleotide c.387-5. At least one publication reports experimental evidence that this variant affects mRNA splicing with the majority of transcripts resulting in exon 2 skipping (example, Bhuiyan_2008). The variant was absent in 251336 control chromosomes. c.387-5T>A has been reported in the literature as a homozygous founder variant in at-least 5 consanguineous Saudi Arabian families with Long QT Syndrome and preserved normal hearing (example, Bhuiyan_2008, Bhuiyan_2009, Bdier_2017) and these studies continue to be cited by others in the field. These data indicate that the variant is very likely to be associated with disease. At least one publication reports experimental evidence evaluating an impact on protein function (example, Bhuiyan_2008). The most pronounced variant effect results in non-functional mutant KCNQ1 + KCNE1 channels as determined by electrophysiological studies in a HEK-293 cell expression system. One clinical diagnostic laboratory has submitted clinical-significance assessments for this variant to ClinVar after 2014 without evidence for independent evaluation and classified the variant as uncertain significance. Based on the evidence outlined above, until families from additional ethnicities with this variant are identified, the variant was classified as likely pathogenic.

Victorian Clinical Genetics Services, Murdoch Childrens Research Institute
Classification: Pathogenic for Familial long QT syndrome. Last evaluated: 2020-05-26. Review status: criteria provided, single submitter. Criteria: ACMG Guidelines, 2015. Collection method: clinical testing. Allele origin: germline.
Comment: Based on the classification scheme VCGS_Germline_v1.1.1, this variant is classified as Pathogenic Following criteria are met: 0103 - Both loss- and gain-of-function are known mechanisms of disease for this gene. (OMIM. (N) 0112 - Variants in this gene are known to have reduced penetrance (GeneReviews, OMIM). (N) 0108 - This gene is known to be associated with both recessive and dominant disease. (OMIM). (N) 0209 - Splice variant (canonical or non-canonical) proven to affect splicing/expression of the transcript with uncertain effect on protein structure. cDNA sequencing of RNA from a homozygous patient demonstrated multiple transcripts were produced, with the most abundant (85%) showing exon 2 skipping with a predicted frameshift 205 amino acids downstream. 10% of transcripts were wild-type, concluded to be sufficient to retain hearing. (PMID: 19027783). (P) 0252 - Variant is homozygous. (N) 0301 - Variant is absent from gnomAD. (P) 0505 - Abnormal splicing is predicted by in silico tools and affected nucleotide is highly conserved. In silico analyses predict aberrant splicing (Human Splicing Finder, Fruitfly, NetGene2), although nucleotide is conserved in primates only. (P) 0702 - Comparable variants have strong previous evidence for pathogenicity. Many truncating variants are reported to be associated with disease (ClinVar, DECIPHER). (P) 0801 - Strong previous evidence of pathogenicity in unrelated individuals. Multiple unrelated consanguineous families from Saudi Arabia in which children who were homozygous for this variant were more with severely affected and/or had longer QT intervals when compared to their heterozygous parents and siblings. (PMID: 28438721, PMID: 28944242, PMID: 19027783, PMID: 19184172. Note there is much overlap between these studies). 0902 - Moderate evidence for segregation with disease. Segregation was demonstrated in the studies whose references are listed above. (P) 1208 – Inheritance information for this variant is not currently available. (N) Legend: (P) - Pathogenic, (N) - Neutral, (B) - Benign

Literature cited by the submitters: PubMed 19027783 (cited by 5 submitters); PubMed 28438721 (cited by Color Diagnostics, LLC DBA Color Health and Victorian Clinical Genetics Services, Murdoch Childrens Research Institute); PubMed 28944242 (cited by 5 submitters); PubMed 36138163 (cited by Color Diagnostics, LLC DBA Color Health); PubMed 1918417 (cited by All of Us Research Program, National Institutes of Health); PubMed 19184172 (cited by Women's Health and Genetics/Laboratory Corporation of America, LabCorp and Victorian Clinical Genetics Services, Murdoch Childrens Research Institute).